The following is an entry in ClinVar:

ClinVar aggregate classification (germline): Likely pathogenic (1 of 4 stars; one submission).

Conditions:
Neurodevelopmental disorder with growth retardation, dysmorphic facies, and corpus callosum abnormalities. Identifiers: MedGen C5774251, MONDO:0859312, OMIM 620113.

Submission:

3billion
Classification: Likely pathogenic for Neurodevelopmental disorder with growth retardation, dysmorphic facies, and corpus callosum abnormalities. Last evaluated: 2025-01-20. Review status: criteria provided, single submitter. Criteria: ACMG Guidelines, 2015. Collection method: clinical testing. Allele origin: germline. Affected: yes.
Comment: The variant is not observed in the gnomAD v4.1.0 dataset. Predicted Consequence/Location: Stop-gained (nonsense): predicted to result in a loss or disruption of normal protein function through nonsense-mediated decay (NMD) or protein truncation. Multiple pathogenic variants are reported downstream of the variant. Therefore, this variant is classified as Likely pathogenic according to the recommendation of ACMG/AMP guideline.

NM_145246.5(FRA10AC1):c.453T>G (p.Tyr151Ter)

Gene: FRA10AC1 (FRA10A associated CGG repeat 1; minus strand). Cytogenetic location: 10q23.33.
Variant type: single nucleotide variant.
Coding change: c.453T>G on transcript NM_145246.5 (MANE Select); coding-DNA position 453, T replaced by G.
Protein change: p.Tyr151Ter; replaces tyrosine 151 with a stop codon.
Molecular consequence: nonsense.
Genome position (GRCh38, 1-based): chr10:93,692,021, A>C on the plus strand (T>G on the coding strand, the complement: FRA10AC1 is on the minus strand). VCF-style: chr10-93692021-A-C. GRCh37 (hg19) VCF-style: chr10-95451778-A-C.
Other names: c.453T>G, p.Tyr151Ter (NM_001347712.2, NM_001347713.2, NM_001347714.2 and 1 more transcripts); short protein forms Y151*.
Identifiers: ClinVar variation 4292103 (VCV004292103.1).